The following is an entry in ClinVar:

ClinVar aggregate classification (germline): Uncertain significance (1 of 4 stars; one submission).

Allele frequency attached by ClinVar (database versions not stated): gnomAD 0.00001; TOPMed 0.00001; ExAC 0.00002; gnomAD exomes 0.00002 and 0.00005.
gnomAD v4.1: 73 of 1,614,026 alleles (0.0045%); highest among the groups gnomAD compares: Non-Finnish European, 0.0059%; no homozygotes.

Submission:

Labcorp Genetics (formerly Invitae), Labcorp
Classification: Uncertain significance. Last evaluated: 2020-03-14. Review status: criteria provided, single submitter. Criteria: Invitae Variant Classification Sherloc (09022015). Collection method: clinical testing. Allele origin: germline.
Comment: In summary, the available evidence is currently insufficient to determine the role of this variant in disease. Therefore, it has been classified as a Variant of Uncertain Significance. Algorithms developed to predict the effect of missense changes on protein structure and function are either unavailable or do not agree on the potential impact of this missense change (SIFT: "Not Available"; PolyPhen-2: "Possibly Damaging"; Align-GVGD: "Not Available"). This variant has not been reported in the literature in individuals with ADAMTS18-related conditions. This variant is present in population databases (rs746417193, ExAC 0.003%). This sequence change replaces proline with serine at codon 1156 of the ADAMTS18 protein (p.Pro1156Ser). The proline residue is highly conserved and there is a moderate physicochemical difference between proline and serine.

NM_199355.4(ADAMTS18):c.3466C>T (p.Pro1156Ser)

Genes: ADAMTS18 (ADAM metallopeptidase with thrombospondin type 1 motif 18; minus strand), LOC126862407 (CDK7 strongly-dependent group 2 enhancer GRCh37_chr16:77322970-77324169; plus strand). Cytogenetic location: 16q23.1.
Variant type: single nucleotide variant.
Coding change: c.3466C>T on transcript NM_199355.4 (MANE Select); coding-DNA position 3466, C replaced by T.
Protein change: p.Pro1156Ser; replaces proline 1156 with serine.
Molecular consequence: missense variant.
Genome position (GRCh38, 1-based): chr16:77,289,348, G>A on the plus strand (C>T on the coding strand, the complement: ADAMTS18 is on the minus strand). VCF-style: chr16-77289348-G-A. GRCh37 (hg19) VCF-style: chr16-77323245-G-A.
Other names: c.2950C>T, p.Pro984Ser (NM_001326358.2); short protein forms P1156S, P984S.
Identifiers: ClinVar variation 1003038 (VCV001003038.7), dbSNP rs746417193, ClinGen allele CA8180419.
Genomic context (GRCh38, chr16:77,289,348, plus strand): 5'-AGTTTGTATTACAGGCTCGTAGCACCGGAGGTTTCTGATGGAGCAGACAACTTGAGGAAG[G>A]CCGGCCTTGCTGAACACAGTGGACTGACCGGGTCTGGACCCCTCCCCCACAGGTGACTGT-3'
Protein context (NP_955387.1, residues 1146-1166): RSVHCVQQGR[Pro1156Ser]SSSCLLHQKP